The following is an entry in ClinVar:

NM_153240.5(NPHP3):c.3128A>G (p.Tyr1043Cys)

Genes: NPHP3 (nephrocystin 3; minus strand), NPHP3-ACAD11 (NPHP3-ACAD11 readthrough (NMD candidate); minus strand). Cytogenetic location: 3q22.1.
Variant type: single nucleotide variant.
Coding change: c.3128A>G on transcript NM_153240.5 (MANE Select); coding-DNA position 3128, A replaced by G.
Protein change: p.Tyr1043Cys; replaces tyrosine 1043 with cysteine.
Molecular consequence: missense variant. On other transcripts: non-coding transcript variant (1).
Genome position (GRCh38, 1-based): chr3:132,687,224, T>C on the plus strand (A>G on the coding strand, the complement: NPHP3 is on the minus strand). VCF-style: chr3-132687224-T-C. GRCh37 (hg19) VCF-style: chr3-132406068-T-C.
Other names: c.3128A>G (NM_153240.4); short protein forms Y1043C.
Identifiers: ClinVar variation 2158356 (VCV002158356.2), dbSNP rs368696653, ClinGen allele CA354579708.

ClinVar aggregate classification (germline): Uncertain significance. Review status: criteria provided, multiple submitters, no conflicts (2 of 4 stars). 2 submissions from 2 submitters: Uncertain significance (2). Last evaluated 2025-04-03.

Conditions:
Inborn genetic diseases. Identifiers: MedGen C0950123, MeSH D030342.
Nephronophthisis. Also called: Juvenile Nephronophthisis. Identifiers: Orphanet 655, MedGen C0687120, MONDO:0019005, HP:0000090.

Submissions (2):

Ambry Genetics
Classification: Uncertain significance for Inborn genetic diseases. Last evaluated: 2025-04-03. Review status: criteria provided, single submitter. Criteria: Ambry Variant Classification Scheme 2023. Collection method: clinical testing. Allele origin: germline.

Labcorp Genetics (formerly Invitae), Labcorp
Classification: Uncertain significance for Nephronophthisis. Last evaluated: 2022-03-20. Review status: criteria provided, single submitter. Criteria: Invitae Variant Classification Sherloc (09022015). Collection method: clinical testing. Allele origin: germline.
Comment: This sequence change replaces tyrosine, which is neutral and polar, with cysteine, which is neutral and slightly polar, at codon 1043 of the NPHP3 protein (p.Tyr1043Cys). This variant is not present in population databases (gnomAD no frequency). This variant has not been reported in the literature in individuals affected with NPHP3-related conditions. Algorithms developed to predict the effect of missense changes on protein structure and function (SIFT, PolyPhen-2, Align-GVGD) all suggest that this variant is likely to be disruptive. In summary, the available evidence is currently insufficient to determine the role of this variant in disease. Therefore, it has been classified as a Variant of Uncertain Significance.